The following is an entry in ClinVar:

NM_015506.3(MMACHC):c.276+2del

Gene: MMACHC (metabolism of cobalamin associated C; plus strand). Cytogenetic location: 1p34.1.
Variant type: Deletion.
Coding change: c.276+2del on transcript NM_015506.3 (MANE Select); the canonical splice donor site of the intron after coding-DNA position 276, one base deleted (T; older notation c.276+2delT).
Molecular consequence: splice donor variant.
Genome position (GRCh38, 1-based): chr1:45,507,552, T deleted. VCF-style (leftmost placement, unchanged base first): chr1-45507551-GT-G. GRCh37 (hg19) VCF-style: chr1-45973223-GT-G.
Other names: c.105+2del (NM_001330540.2).
Identifiers: ClinVar variation 2837080 (VCV002837080.3), dbSNP rs2522820797, ClinGen allele CA2739272541.

ClinVar aggregate classification (germline): Likely pathogenic (1 of 4 stars; one submission).

Conditions:
Cobalamin C disease. Also called: Methylmalonic aciduria and homocystinuria, Vitamin B12-responsive; Vitamin B12 metabolic defect with combined deficiency of methylmalonyl-CoA mutase and homocysteine:methyltetrahydrofolate methyltransferase; Methylmalonic aciduria with homocystinuria cblC type; methylmalonic aciduria and homocystinuria type cblC; Cobalamin-C methylmalonic acidemia and homocystinuria; Methylmalonic acidemia and homocystinuria cblC type. Identifiers: Orphanet 26, Orphanet 79282, MedGen C1848561, MONDO:0010184, OMIM 277400.

Submission:

Labcorp Genetics (formerly Invitae), Labcorp
Classification: Likely pathogenic for Cobalamin C disease. Last evaluated: 2023-03-03. Review status: criteria provided, single submitter. Criteria: Invitae Variant Classification Sherloc (09022015). Collection method: clinical testing. Allele origin: germline.
Comment: Algorithms developed to predict the effect of sequence changes on RNA splicing suggest that this variant may disrupt the consensus splice site. In summary, the currently available evidence indicates that the variant is pathogenic, but additional data are needed to prove that conclusively. Therefore, this variant has been classified as Likely Pathogenic. This variant has not been reported in the literature in individuals affected with MMACHC-related conditions. This variant is not present in population databases (gnomAD no frequency). This sequence change affects a splice site in intron 2 of the MMACHC gene. It is expected to disrupt RNA splicing. Variants that disrupt the donor or acceptor splice site typically lead to a loss of protein function (PMID: 16199547), and loss-of-function variants in MMACHC are known to be pathogenic (PMID: 16311595).

Literature cited by the submitters: PubMed 16199547; PubMed 16311595.